The following is an entry in ClinVar:

ClinVar aggregate classification (germline): Likely benign (0 of 4 stars; one submission).

Conditions:
MUC16-related disorder. Also called: MUC16-related condition.

Allele frequency attached by ClinVar (database versions not stated): 1000 Genomes Project 0.00160; ESP Exome Variant Server 0.00164; 1000 Genomes Project 30x 0.00203.

Submission:

PreventionGenetics, part of Exact Sciences
Classification: Likely benign for MUC16-related condition. Last evaluated: 2019-08-21. Review status: no assertion criteria provided. Collection method: clinical testing. Allele origin: germline.
Comment: This variant is classified as likely benign based on ACMG/AMP sequence variant interpretation guidelines (Richards et al. 2015 PMID: 25741868, with internal and published modifications).

NM_001401501.2(MUC16):c.4528G>C (p.Ala1510Pro)

Gene: MUC16 (mucin 16, cell surface associated; minus strand). Cytogenetic location: 19p13.2.
Variant type: single nucleotide variant.
Coding change: c.4528G>C on transcript NM_001401501.2 (MANE Select); coding-DNA position 4528, G replaced by C.
Protein change: p.Ala1510Pro; replaces alanine 1510 with proline.
Molecular consequence: missense variant.
Genome position (GRCh38, 1-based): chr19:8,976,731, C>G on the plus strand (G>C on the coding strand, the complement: MUC16 is on the minus strand). VCF-style: chr19-8976731-C-G. GRCh37 (hg19) VCF-style: chr19-9087407-C-G.
Other names: c.4954G>C, p.Ala1652Pro (NM_001414686.1); c.4408G>C, p.Ala1470Pro (NM_001414687.1, NM_024690.2); short protein forms A1470P, A1510P, A1652P.
Identifiers: ClinVar variation 3050572 (VCV003050572.2), dbSNP rs141138564, ClinGen allele CA9172821.